The following is an entry in ClinVar:

ClinVar aggregate classification (germline): Uncertain significance (1 of 4 stars; one submission).

gnomAD v4.1: 5 of 1,611,902 alleles (0.00031%); highest among the groups gnomAD compares: African/African-American, 0.0053%; no homozygotes.

Submission:

Labcorp Genetics (formerly Invitae), Labcorp
Classification: Uncertain significance. Last evaluated: 2024-07-17. Review status: criteria provided, single submitter. Criteria: Invitae Variant Classification Sherloc (09022015). Collection method: clinical testing. Allele origin: germline.
Comment: This sequence change replaces alanine, which is neutral and non-polar, with glycine, which is neutral and non-polar, at codon 1454 of the CAMTA1 protein (p.Ala1454Gly). This variant is not present in population databases (gnomAD no frequency). This variant has not been reported in the literature in individuals affected with CAMTA1-related conditions. An algorithm developed to predict the effect of missense changes on protein structure and function (PolyPhen-2) suggests that this variant is likely to be tolerated. In summary, the available evidence is currently insufficient to determine the role of this variant in disease. Therefore, it has been classified as a Variant of Uncertain Significance.

NM_015215.4(CAMTA1):c.4361C>G (p.Ala1454Gly)

Gene: CAMTA1 (calmodulin binding transcription activator 1; plus strand). Cytogenetic location: 1p36.23.
Variant type: single nucleotide variant.
Coding change: c.4361C>G on transcript NM_015215.4 (MANE Select); coding-DNA position 4361, C replaced by G.
Protein change: p.Ala1454Gly; replaces alanine 1454 with glycine.
Molecular consequence: missense variant.
Genome position (GRCh38, 1-based): chr1:7,745,013, C>G. VCF-style: chr1-7745013-C-G. GRCh37 (hg19) VCF-style: chr1-7805073-C-G.
Other names: c.4271C>G, p.Ala1424Gly (NM_001349608.2); c.4022C>G, p.Ala1341Gly (NM_001349609.2, NM_001349610.2, NM_001410737.1); c.3932C>G, p.Ala1311Gly (NM_001349612.2); c.1490C>G, p.Ala497Gly (NM_001349613.1); c.1433C>G, p.Ala478Gly (NM_001349614.1, NM_001349615.2, NM_001349616.2 and 2 more transcripts); c.1094C>G, p.Ala365Gly (NM_001349619.2, NM_001349620.1, NM_001349621.1 and 5 more transcripts); c.3950C>G, p.Ala1317Gly (NM_001410738.1); short protein forms A1311G, A365G, A1317G, A1424G, A478G, A1341G, A1454G, A497G.
Identifiers: ClinVar variation 3685471 (VCV003685471.2).
Genomic context (GRCh38, chr1:7,745,013, plus strand): 5'-GCAGTACAATGAGCTGGCTGGCCAGTTATCTAGCGGATGCTGACTGCCTTCCCAGTGCTG[C>G]CCAGATCCGGTGAGTAAAGTTACGGAGGTCACTACCCAGCATAGATTCCCGGATGTAATT-3'
Protein context (NP_056030.1, residues 1444-1464): LADADCLPSA[Ala1454Gly]QIRSAYNEPL